The following is an entry in ClinVar:

ClinVar aggregate classification (germline): Likely pathogenic (1 of 4 stars; one submission).

Submission:

Labcorp Genetics (formerly Invitae), Labcorp
Classification: Likely pathogenic. Last evaluated: 2021-11-05. Review status: criteria provided, single submitter. Criteria: Invitae Variant Classification Sherloc (09022015). Collection method: clinical testing. Allele origin: germline.
Comment: This sequence change affects an acceptor splice site in intron 44 of the USH2A gene. It is expected to disrupt RNA splicing. Variants that disrupt the donor or acceptor splice site typically lead to a loss of protein function (PMID: 16199547), and loss-of-function variants in USH2A are known to be pathogenic (PMID: 10729113, 10909849, 20507924, 25649381). This variant is not present in population databases (gnomAD no frequency). In summary, the currently available evidence indicates that the variant is pathogenic, but additional data are needed to prove that conclusively. Therefore, this variant has been classified as Likely Pathogenic. Algorithms developed to predict the effect of sequence changes on RNA splicing suggest that this variant may disrupt the consensus splice site. This variant has not been reported in the literature in individuals affected with USH2A-related conditions.

Literature cited by the submitters: PubMed 16199547; PubMed 10729113; PubMed 10909849; PubMed 20507924; PubMed 25649381.

NM_206933.4(USH2A):c.8846-2A>T

Gene: USH2A (usherin; minus strand). Cytogenetic location: 1q41.
Variant type: single nucleotide variant.
Coding change: c.8846-2A>T on transcript NM_206933.4 (MANE Select); the canonical splice acceptor site of the intron before coding-DNA position 8846, A replaced by T.
Molecular consequence: splice acceptor variant.
Genome position (GRCh38, 1-based): chr1:215,846,035, T>A on the plus strand (A>T on the coding strand, the complement: USH2A is on the minus strand). VCF-style: chr1-215846035-T-A. GRCh37 (hg19) VCF-style: chr1-216019377-T-A.
Identifiers: ClinVar variation 1475932 (VCV001475932.6), dbSNP rs1553268594, ClinGen allele CA344842275.